The following is an entry in ClinVar:

NM_012448.4(STAT5B):c.2063G>A (p.Cys688Tyr)

Gene: STAT5B (signal transducer and activator of transcription 5B; minus strand). Cytogenetic location: 17q21.2.
Variant type: single nucleotide variant.
Coding change: c.2063G>A on transcript NM_012448.4 (MANE Select); coding-DNA position 2063, G replaced by A.
Protein change: p.Cys688Tyr; replaces cysteine 688 with tyrosine.
Molecular consequence: missense variant.
Genome position (GRCh38, 1-based): chr17:42,207,572, C>T on the plus strand (G>A on the coding strand, the complement: STAT5B is on the minus strand). VCF-style: chr17-42207572-C-T. GRCh37 (hg19) VCF-style: chr17-40359590-C-T.
Other names: short protein forms C688Y.
Identifiers: ClinVar variation 1392180 (VCV001392180.6), dbSNP rs2144210638, ClinGen allele CA399575102.

ClinVar aggregate classification (germline): Uncertain significance (1 of 4 stars; one submission).

Conditions:
Growth hormone insensitivity with immune dysregulation 1, autosomal recessive. Also called: Laron syndrome with immunodeficiency; GROWTH HORMONE INSENSITIVITY SYNDROME WITH IMMUNE DYSREGULATION 1, AUTOSOMAL RECESSIVE; GROWTH HORMONE INSENSITIVITY DUE TO POSTRECEPTOR DEFECT; LARON SYNDROME DUE TO POSTRECEPTOR DEFECT. Identifiers: Orphanet 220465, MedGen C5435698, MONDO:0100211, OMIM 245590.

Submission:

Labcorp Genetics (formerly Invitae), Labcorp
Classification: Uncertain significance for Growth hormone insensitivity with immune dysregulation 1, autosomal recessive. Last evaluated: 2023-11-27. Review status: criteria provided, single submitter. Criteria: Invitae Variant Classification Sherloc (09022015). Collection method: clinical testing. Allele origin: germline.
Comment: This sequence change replaces cysteine, which is neutral and slightly polar, with tyrosine, which is neutral and polar, at codon 688 of the STAT5B protein (p.Cys688Tyr). This variant is not present in population databases (gnomAD no frequency). This variant has not been reported in the literature in individuals affected with STAT5B-related conditions. ClinVar contains an entry for this variant (Variation ID: 1392180). An algorithm developed to predict the effect of missense changes on protein structure and function (PolyPhen-2) suggests that this variant is likely to be tolerated. In summary, the available evidence is currently insufficient to determine the role of this variant in disease. Therefore, it has been classified as a Variant of Uncertain Significance.